The following is an entry in ClinVar:

NM_001289104.2(PRKCSH):c.1127-2A>C

Gene: PRKCSH (PRKCSH beta subunit of glucosidase II; plus strand). Cytogenetic location: 19p13.2.
Variant type: single nucleotide variant.
Coding change: c.1127-2A>C on transcript NM_001289104.2 (MANE Select); the canonical splice acceptor site of the intron before coding-DNA position 1127, A replaced by C.
Molecular consequence: splice acceptor variant.
Genome position (GRCh38, 1-based): chr19:11,448,220, A>C. VCF-style: chr19-11448220-A-C. GRCh37 (hg19) VCF-style: chr19-11559035-A-C.
Other names: c.1127-2A>C (NM_001289103.2); c.1097-2A>C (NM_001379609.1, NM_001001329.3, NM_001289102.2); c.1106-2A>C (NM_001379608.1, NM_002743.3).
Identifiers: ClinVar variation 3382804 (VCV003382804.3).

ClinVar aggregate classification (germline): Likely pathogenic (1 of 4 stars; one submission).

Conditions:
Polycystic liver disease 1 (PCLD1). Also called: Polycystic liver disease 1 with or without kidney cysts. Identifiers: Orphanet 2924, MedGen C0887850, MONDO:0008265, OMIM 174050.

Submission:

Juno Genomics, Hangzhou Juno Genomics, Inc
Classification: Likely pathogenic for Polycystic liver disease 1. Review status: criteria provided, single submitter. Criteria: ACMG Guidelines, 2015. Collection method: clinical testing. Allele origin: germline.
Comment: Absent from controls (or at extremely low frequency if recessive) in Genome Aggregation Database.;Null variant in a gene where loss of function (LOF) is a known mechanism of disease.